The following is an entry in ClinVar:

NM_000038.6(APC):c.7961C>G (p.Thr2654Arg)

Gene: APC (APC regulator of Wnt signaling pathway; plus strand). Cytogenetic location: 5q22.2.
Variant type: single nucleotide variant.
Coding change: c.7961C>G on transcript NM_000038.6 (MANE Select); coding-DNA position 7961, C replaced by G.
Protein change: p.Thr2654Arg; replaces threonine 2654 with arginine.
Molecular consequence: missense variant. On other transcripts: non-coding transcript variant (2).
Genome position (GRCh38, 1-based): chr5:112,843,555, C>G. VCF-style: chr5-112843555-C-G. GRCh37 (hg19) VCF-style: chr5-112179252-C-G.
Other names: c.7961C>G, p.Thr2654Arg (NM_001127510.3, NM_001354895.2, NM_001407450.1); c.7907C>G, p.Thr2636Arg (NM_001127511.3); c.8015C>G, p.Thr2672Arg (NM_001354896.2, NM_001407447.1, NM_001407448.1 and 1 more transcripts); c.7991C>G, p.Thr2664Arg (NM_001354897.2); c.7886C>G, p.Thr2629Arg (NM_001354898.2); c.7877C>G, p.Thr2626Arg (NM_001354899.2); c.7838C>G, p.Thr2613Arg (NM_001354900.2); c.7784C>G, p.Thr2595Arg (NM_001354901.2, NM_001407453.1); and 11 more; short protein forms T2553R, T2629R, T2636R, T2647R, T2654R, T2270R, T2494R, T2571R.
Identifiers: ClinVar variation 3635522 (VCV003635522.2).

ClinVar aggregate classification (germline): Uncertain significance (1 of 4 stars; one submission).

Conditions:
Familial adenomatous polyposis 1 (FAP1). Also called: FAMILIAL ADENOMATOUS POLYPOSIS 1, ATTENUATED; POLYPOSIS, ADENOMATOUS INTESTINAL. Identifiers: MedGen C2713442, MONDO:0021056, OMIM 175100. Disease mechanism: loss of function.

Submission:

Labcorp Genetics (formerly Invitae), Labcorp
Classification: Uncertain significance for Familial adenomatous polyposis 1. Last evaluated: 2024-03-16. Review status: criteria provided, single submitter. Criteria: Invitae Variant Classification Sherloc (09022015). Collection method: clinical testing. Allele origin: germline.
Comment: This sequence change replaces threonine, which is neutral and polar, with arginine, which is basic and polar, at codon 2654 of the APC protein (p.Thr2654Arg). This variant is not present in population databases (gnomAD no frequency). This variant has not been reported in the literature in individuals affected with APC-related conditions. Advanced modeling of protein sequence and biophysical properties (such as structural, functional, and spatial information, amino acid conservation, physicochemical variation, residue mobility, and thermodynamic stability) performed at Invitae indicates that this missense variant is not expected to disrupt APC protein function with a negative predictive value of 95%. In summary, the available evidence is currently insufficient to determine the role of this variant in disease. Therefore, it has been classified as a Variant of Uncertain Significance.